The following is an entry in ClinVar:

ClinVar aggregate classification (germline): Conflicting classifications of pathogenicity. Review status: criteria provided, conflicting classifications (1 of 4 stars). 2 submissions from 2 submitters: Likely pathogenic (1); Uncertain significance (1). Last evaluated 2025-12-01.

Conditions:
Coffin-Siris syndrome 8. Identifiers: MedGen C5193054, MONDO:0032702, OMIM 618362.

Submissions (2):

Clinical Genomics Laboratory, Washington University in St. Louis
Classification: Likely pathogenic for Coffin-Siris syndrome 8. Last evaluated: 2025-12-01. Review status: criteria provided, single submitter. Criteria: ACMG Guidelines, 2015. Collection method: clinical testing. Allele origin: germline. Affected: yes.
Comment: The SMARCC2 c.1926G>A (p.Glu642=) variant, to our knowledge, has not been reported in the medical literature but has been reported in the ClinVar database as a germline variant of uncertain significance by one submitter. This variant is absent from the general population (gnomAD v2.1.1), indicating it is not a common variant. This variant occurs in the last nucleotide of the exon, a position that is highly conserved and computational predictors indicate that this variant would alter splicing, evidence that correlates to an impact of this variant SMARCC2 function. Based on available information and the ACMG/AMP guidelines for variant interpretation (Richards S et al., PMID: 25741868), this variant is classified as likely pathogenic.

CeGaT Center for Human Genetics Tuebingen
Classification: Uncertain significance. Last evaluated: 2022-10-01. Review status: criteria provided, single submitter. Criteria: CeGaT Center For Human Genetics Tuebingen Variant Classification Criteria Version 2. Collection method: clinical testing. Allele origin: germline. Affected: yes. Observed: 1 variant allele.
Comment: SMARCC2: PM2:Supporting

NM_001330288.2(SMARCC2):c.1926G>A (p.Glu642=)

Gene: SMARCC2 (SWI/SNF related BAF chromatin remodeling complex subunit C2; minus strand). Cytogenetic location: 12q13.2.
Variant type: single nucleotide variant.
Coding change: c.1926G>A on transcript NM_001330288.2 (MANE Select); coding-DNA position 1926, G replaced by A.
Protein change: p.Glu642=; no amino-acid change (glutamic acid 642 retained).
Molecular consequence: synonymous variant.
Genome position (GRCh38, 1-based): chr12:56,172,428, C>T on the plus strand (G>A on the coding strand, the complement: SMARCC2 is on the minus strand). VCF-style: chr12-56172428-C-T. GRCh37 (hg19) VCF-style: chr12-56566212-C-T.
Other names: c.1926G>A, p.Glu642= (NM_001130420.3, NM_139067.4); c.1833G>A, p.Glu611= (NM_003075.5).
Identifiers: ClinVar variation 1879238 (VCV001879238.30), dbSNP rs2540886702, ClinGen allele CA480196991.